The following is an entry in ClinVar:

NM_000081.4(LYST):c.9328G>A (p.Val3110Ile)

Gene: LYST (lysosomal trafficking regulator; minus strand). Cytogenetic location: 1q42.3.
Variant type: single nucleotide variant.
Coding change: c.9328G>A on transcript NM_000081.4 (MANE Select); coding-DNA position 9328, G replaced by A.
Protein change: p.Val3110Ile; replaces valine 3110 with isoleucine.
Molecular consequence: missense variant.
Genome position (GRCh38, 1-based): chr1:235,720,893, C>T on the plus strand (G>A on the coding strand, the complement: LYST is on the minus strand). VCF-style: chr1-235720893-C-T. GRCh37 (hg19) VCF-style: chr1-235884193-C-T.
Other names: c.9328G>A, p.Val3110Ile (NM_001301365.1); short protein forms V3110I.
Identifiers: ClinVar variation 1024406 (VCV001024406.3), dbSNP rs984723066, ClinGen allele CA39603048.

ClinVar aggregate classification (germline): Uncertain significance (1 of 4 stars; one submission).

Conditions:
Chédiak-Higashi syndrome (CHS). Also called: Chediak-Higashi Syndrome. Identifiers: Orphanet 167, MedGen C0007965, MONDO:0008963, OMIM 214500.

Allele frequency attached by ClinVar (database versions not stated): TOPMed below 0.00001; gnomAD exomes 0.00001.
gnomAD v4.1: 4 of 1,613,604 alleles (0.00025%); highest among the groups gnomAD compares: Admixed American, 0.0067%; no homozygotes.

Submission:

Labcorp Genetics (formerly Invitae), Labcorp
Classification: Uncertain significance for Chédiak-Higashi syndrome. Last evaluated: 2024-01-02. Review status: criteria provided, single submitter. Criteria: Invitae Variant Classification Sherloc (09022015). Collection method: clinical testing. Allele origin: germline.
Comment: This sequence change replaces valine, which is neutral and non-polar, with isoleucine, which is neutral and non-polar, at codon 3110 of the LYST protein (p.Val3110Ile). This variant is not present in population databases (gnomAD no frequency). This variant has not been reported in the literature in individuals affected with LYST-related conditions. ClinVar contains an entry for this variant (Variation ID: 1024406). Advanced modeling of protein sequence and biophysical properties (such as structural, functional, and spatial information, amino acid conservation, physicochemical variation, residue mobility, and thermodynamic stability) performed at Invitae indicates that this missense variant is not expected to disrupt LYST protein function with a negative predictive value of 80%. In summary, the available evidence is currently insufficient to determine the role of this variant in disease. Therefore, it has been classified as a Variant of Uncertain Significance.